The following is an entry in ClinVar:

ClinVar aggregate classification (germline): Uncertain significance. Review status: criteria provided, multiple submitters, no conflicts (2 of 4 stars). 2 submissions from 2 submitters: Uncertain significance (2). Last evaluated 2024-08-20.

Conditions:
Inborn genetic diseases. Identifiers: MedGen C0950123, MeSH D030342.

Allele frequency attached by ClinVar (database versions not stated): gnomAD 0.00007; TOPMed 0.00009.
gnomAD v4.1: 137 of 1,486,374 alleles (0.0092%); highest among the groups gnomAD compares: Middle Eastern, 0.072%; 1 homozygote.

Submissions (2):

Ambry Genetics
Classification: Uncertain significance for Inborn genetic diseases. Last evaluated: 2024-08-20. Review status: criteria provided, single submitter. Criteria: Ambry Variant Classification Scheme 2023. Collection method: clinical testing. Allele origin: germline.

Labcorp Genetics (formerly Invitae), Labcorp
Classification: Uncertain significance. Last evaluated: 2022-07-26. Review status: criteria provided, single submitter. Criteria: Invitae Variant Classification Sherloc (09022015). Collection method: clinical testing. Allele origin: germline.
Comment: This sequence change replaces valine, which is neutral and non-polar, with methionine, which is neutral and non-polar, at codon 2053 of the CIT protein (p.Val2053Met). This variant is present in population databases (rs764137343, gnomAD 0.02%). This variant has not been reported in the literature in individuals affected with CIT-related conditions. Algorithms developed to predict the effect of missense changes on protein structure and function are either unavailable or do not agree on the potential impact of this missense change (SIFT: "Tolerated"; PolyPhen-2: "Possibly Damaging"; Align-GVGD: "Class C0"). In summary, the available evidence is currently insufficient to determine the role of this variant in disease. Therefore, it has been classified as a Variant of Uncertain Significance.

NM_001206999.2(CIT):c.6157G>A (p.Val2053Met)

Gene: CIT (citron rho-interacting serine/threonine kinase; minus strand). Cytogenetic location: 12q24.23.
Variant type: single nucleotide variant.
Coding change: c.6157G>A on transcript NM_001206999.2 (MANE Select); coding-DNA position 6157, G replaced by A.
Protein change: p.Val2053Met; replaces valine 2053 with methionine.
Molecular consequence: missense variant.
Genome position (GRCh38, 1-based): chr12:119,690,180, C>T on the plus strand (G>A on the coding strand, the complement: CIT is on the minus strand). VCF-style: chr12-119690180-C-T. GRCh37 (hg19) VCF-style: chr12-120127985-C-T.
Other names: c.6031G>A, p.Val2011Met (NM_007174.3); c.6157G>A (NM_001206999.1); short protein forms V2053M, V2011M.
Identifiers: ClinVar variation 2179790 (VCV002179790.2), dbSNP rs764137343, ClinGen allele CA6820636.